The following is an entry in ClinVar:

ClinVar aggregate classification (germline): Likely benign. Review status: reviewed by expert panel (3 of 4 stars). 4 submissions from 4 submitters: Likely benign (1). 3 of the submissions do not count toward it. Last evaluated 2017-06-29.

Conditions:
Hereditary breast ovarian cancer syndrome. Also called: Hereditary breast and ovarian cancer syndrome (HBOC); BRCA1- and BRCA2-Associated Hereditary Breast and Ovarian Cancer; Hereditary breast and/or ovarian cancer syndrome; Hereditary breast and ovarian cancer syndrome; Hereditary breast and ovarian cancer; Breast and ovarian cancer. Identifiers: Orphanet 145, MedGen C0677776, MeSH D061325, MONDO:0003582. Disease mechanism: loss of function.
Hereditary cancer-predisposing syndrome. Also called: Neoplastic Syndromes, Hereditary; Hereditary neoplastic syndrome; Tumor predisposition; Hereditary Cancer Syndrome. Identifiers: Orphanet 140162, MedGen C0027672, MeSH D009386, MONDO:0015356.
Breast-ovarian cancer, familial, susceptibility to, 1 (BROVCA1). Also called: BRCA1 Hereditary Breast and Ovarian Cancer; OVARIAN CANCER, SUSCEPTIBILITY TO. Identifiers: Orphanet 145, MedGen C2676676, MONDO:0011450, OMIM 604370. Disease mechanism: loss of function.

Allele frequency attached by ClinVar (database versions not stated): gnomAD exomes below 0.00001; ExAC 0.00001.
gnomAD v4.1: 1 of 1,614,148 alleles (0.000062%); highest among the groups gnomAD compares: Non-Finnish European, 0.000085%; no homozygotes.

Submissions (4):

Evidence-based Network for the Interpretation of Germline Mutant Alleles (ENIGMA)
Classification: Likely benign for Breast-ovarian cancer, familial, susceptibility to, 1. Last evaluated: 2017-06-29. Review status: reviewed by expert panel. Criteria: ENIGMA BRCA1/2 Classification Criteria (2017-06-29). Collection method: curation. Allele origin: germline.
Comment: Synonymous substitution variant, with low bioinformatic likelihood to result in a splicing aberration (Splicing prior probability 0.02).

Labcorp Genetics (formerly Invitae), Labcorp
Classification: Likely benign for Hereditary breast ovarian cancer syndrome. Last evaluated: 2024-01-17. Review status: criteria provided, single submitter. Criteria: Invitae Variant Classification Sherloc (09022015). Collection method: clinical testing. Allele origin: germline. Not counted in ClinVar's aggregate classification.

Color Diagnostics, LLC DBA Color Health
Classification: Likely benign for Hereditary cancer-predisposing syndrome. Last evaluated: 2019-09-17. Review status: criteria provided, single submitter. Criteria: ACMG Guidelines, 2015. Collection method: clinical testing. Allele origin: germline. Not counted in ClinVar's aggregate classification.

Ambry Genetics
Classification: Likely benign for Hereditary cancer-predisposing syndrome. Last evaluated: 2019-04-19. Review status: criteria provided, single submitter. Criteria: Ambry Variant Classification Scheme 2023. Collection method: clinical testing. Allele origin: germline. Not counted in ClinVar's aggregate classification.

NM_007294.4(BRCA1):c.2865A>G (p.Ser955=)

Gene: BRCA1 (BRCA1 DNA repair associated; minus strand). Cytogenetic location: 17q21.31.
Variant type: single nucleotide variant.
Coding change: c.2865A>G on transcript NM_007294.4 (MANE Select); coding-DNA position 2865, A replaced by G.
Protein change: p.Ser955=; no amino-acid change (serine 955 retained).
Molecular consequence: synonymous variant. On other transcripts: intron variant (137).
Genome position (GRCh38, 1-based): chr17:43,092,666, T>C on the plus strand (A>G on the coding strand, the complement: BRCA1 is on the minus strand). VCF-style: chr17-43092666-T-C. GRCh37 (hg19) VCF-style: chr17-41244683-T-C.
Other names: c.785-1634A>G (NM_001407972.1, NM_001408397.1, NM_001408401.1 and 13 more transcripts); c.665-1634A>G (NM_001408441.1, NM_001408437.1, NM_001408429.1 and 12 more transcripts); c.788-1634A>G (NM_001407979.1, NM_001407977.1, NM_001407982.1 and 17 more transcripts); c.647-1634A>G (NM_001408410.1, NM_001408458.1, NM_001408469.1 and 11 more transcripts); c.710-1634A>G (NM_001408415.1, NM_001408412.1, NM_001408409.1 and 2 more transcripts); c.578-1634A>G (NM_001408483.1, NM_001408481.1, NM_001408480.1 and 9 more transcripts); c.2652A>G, p.Ser884= (NM_001407571.1, NM_001407853.1, NM_001407894.1 and 9 more transcripts); c.2865A>G, p.Ser955= (NM_001407581.1, NM_001407582.1, NM_001407583.1 and 30 more transcripts); and 41 more.
Identifiers: ClinVar variation 427320 (VCV000427320.19), dbSNP rs748285767, ClinGen allele CA058250.